The following is an entry in ClinVar:

ClinVar aggregate classification (germline): Likely benign. Review status: criteria provided, multiple submitters, no conflicts (2 of 4 stars). 2 submissions from 2 submitters: Likely benign (2). Last evaluated 2024-05-13.

Conditions:
Familial cancer of breast. Also called: hereditary breast carcinoma; BREAST CANCER, FAMILIAL; Hereditary breast cancer. Identifiers: Orphanet 227535, MedGen C0346153, MONDO:0016419, OMIM 114480. Disease mechanism: loss of function.
Ataxia-telangiectasia syndrome (AT). Also called: Cerebello-oculocutaneous telangiectasia; Immunodeficiency with ataxia telangiectasia; LOUIS-BAR SYNDROME; Ataxia-telangiectasia, complementation group D; AT, COMPLEMENTATION GROUP C; Ataxia-telangiectasia. Identifiers: Orphanet 100, MedGen C0004135, MONDO:0008840, OMIM 208900.

Submissions (2):

Myriad Genetics, Inc.
Classification: Likely benign for Familial cancer of breast. Last evaluated: 2024-05-13. Review status: criteria provided, single submitter. Criteria: Myriad Autosomal Dominant, Autosomal Recessive and X-Linked Classification Criteria (2023). Collection method: clinical testing. Allele origin: unknown.
Comment: This variant is considered likely benign. This variant is intronic and is not expected to impact mRNA splicing.

Labcorp Genetics (formerly Invitae), Labcorp
Classification: Likely benign for Ataxia-telangiectasia syndrome. Last evaluated: 2021-05-28. Review status: criteria provided, single submitter. Criteria: Invitae Variant Classification Sherloc (09022015). Collection method: clinical testing. Allele origin: germline.

NM_000051.4(ATM):c.3153+7T>C

Gene: ATM (ATM serine/threonine kinase; plus strand). Cytogenetic location: 11q22.3.
Variant type: single nucleotide variant.
Coding change: c.3153+7T>C on transcript NM_000051.4 (MANE Select); 7 bases into the intron after coding-DNA position 3153, T replaced by C.
Molecular consequence: intron variant.
Genome position (GRCh38, 1-based): chr11:108,272,614, T>C. VCF-style: chr11-108272614-T-C. GRCh37 (hg19) VCF-style: chr11-108143341-T-C.
Other names: c.3153+7T>C (NM_001351834.2).
Identifiers: ClinVar variation 1562078 (VCV001562078.9), dbSNP rs2135567095, ClinGen allele CA2573146642.
Genomic context (GRCh38, chr11:108,272,614, plus strand): 5'-TATATATTCTCTGTAAGAATGGCCCTAGTAAATTGCCTTAAAACTTTGCTTGAGGTGAGT[T>C]TTTGCATTTTTTTAGTAAGATCTCCATTGAAAATTTTAAAGCAGTCTTTGTTTGTTAATG-3'